The following is an entry in ClinVar:

ClinVar aggregate classification (germline): Pathogenic (1 of 4 stars; one submission).

Conditions:
Joubert syndrome. Also called: CEREBELLOPARENCHYMAL DISORDER IV; JOUBERT-BOLTSHAUSER SYNDROME; Familial aplasia of the vermis. Identifiers: Orphanet 475, MedGen C5979921, MONDO:0018772.
Nephronophthisis. Also called: Juvenile Nephronophthisis. Identifiers: Orphanet 655, MedGen C0687120, MONDO:0019005, HP:0000090.
Meckel-Gruber syndrome. Also called: DYSENCEPHALIA SPLANCHNOCYSTICA; GRUBER SYNDROME; Dysencephalia splachnocystica. Identifiers: Orphanet 564, MedGen C0265215, MONDO:0018921.

Submission:

Labcorp Genetics (formerly Invitae), Labcorp
Classification: Pathogenic for Joubert syndrome; Meckel-Gruber syndrome; Nephronophthisis. Last evaluated: 2023-12-30. Review status: criteria provided, single submitter. Criteria: Invitae Variant Classification Sherloc (09022015). Collection method: clinical testing. Allele origin: germline.
Comment: This sequence change affects codon 1103 of the CEP290 mRNA. It is a 'silent' change, meaning that it does not change the encoded amino acid sequence of the CEP290 protein. RNA analysis indicates that this variant induces altered splicing and may result in an absent or disrupted protein product. This variant is not present in population databases (gnomAD no frequency). This variant has been observed in individual(s) with Joubert syndrome and related disorders (PMID: 36493848). In at least one individual the data is consistent with being in trans (on the opposite chromosome) from a pathogenic variant. Variants that disrupt the consensus splice site are a relatively common cause of aberrant splicing (PMID: 17576681, 9536098). Studies have shown that this variant results in skipping of exon 28 and introduces a premature termination codon (PMID: 36493848). The resulting mRNA is expected to undergo nonsense-mediated decay. For these reasons, this variant has been classified as Pathogenic.

Literature cited by the submitters: PubMed 36493848; PubMed 17576681; PubMed 9536098.

NM_025114.4(CEP290):c.3309G>A (p.Glu1103=)

Gene: CEP290 (centrosomal protein 290; minus strand). Cytogenetic location: 12q21.32.
Variant type: single nucleotide variant.
Coding change: c.3309G>A on transcript NM_025114.4 (MANE Select); coding-DNA position 3309, G replaced by A.
Protein change: p.Glu1103=; no amino-acid change (glutamic acid 1103 retained).
Molecular consequence: synonymous variant.
Genome position (GRCh38, 1-based): chr12:88,093,770, C>T on the plus strand (G>A on the coding strand, the complement: CEP290 is on the minus strand). VCF-style: chr12-88093770-C-T. GRCh37 (hg19) VCF-style: chr12-88487547-C-T.
Identifiers: ClinVar variation 2921796 (VCV002921796.3), dbSNP rs2500269301, ClinGen allele CA481077248.